The following is an entry in ClinVar:

ClinVar aggregate classification (germline): Likely pathogenic. Review status: criteria provided, multiple submitters, no conflicts (2 of 4 stars). 2 submissions from 2 submitters: Likely pathogenic (2). Last evaluated 2024-02-01.

Allele frequency attached by ClinVar (database versions not stated): gnomAD exomes below 0.00001.
gnomAD v4.1: 1 of 1,612,474 alleles (0.000062%); highest among the groups gnomAD compares: Non-Finnish European, 0.000085%; no homozygotes.

Submissions (2):

CeGaT Center for Human Genetics Tuebingen
Classification: Likely pathogenic. Last evaluated: 2024-02-01. Review status: criteria provided, single submitter. Criteria: CeGaT Center For Human Genetics Tuebingen Variant Classification Criteria Version 2. Collection method: clinical testing. Allele origin: germline. Affected: yes. Observed: 1 variant allele.
Comment: SCN8A: PVS1:Strong, PM2

Mayo Clinic Laboratories, Mayo Clinic
Classification: Likely pathogenic. Last evaluated: 2020-05-01. Review status: criteria provided, single submitter. Criteria: ACMG Guidelines, 2015. Collection method: clinical testing. Allele origin: germline. Observed: 1 variant allele.
Comment: PVS1_strong, PM2, PP4

NM_014191.4(SCN8A):c.706+1G>A

Gene: SCN8A (sodium voltage-gated channel alpha subunit 8; plus strand). Cytogenetic location: 12q13.13.
Variant type: single nucleotide variant.
Coding change: c.706+1G>A on transcript NM_014191.4 (MANE Plus Clinical); the canonical splice donor site of the intron after coding-DNA position 706, G replaced by A.
Molecular consequence: splice donor variant. On other transcripts: intron variant (2).
Genome position (GRCh38, 1-based): chr12:51,688,850, G>A. VCF-style: chr12-51688850-G-A. GRCh37 (hg19) VCF-style: chr12-52082634-G-A.
Other names: c.706+1G>A (NM_001177984.3); c.615-155G>A (NM_001330260.2, NM_001369788.1).
Identifiers: ClinVar variation 1163053 (VCV001163053.27), dbSNP rs2138716241, ClinGen allele CA385224199.